The following is an entry in ClinVar:

NM_152327.5(AK7):c.304C>T (p.Arg102Ter)

Gene: AK7 (adenylate kinase 7; plus strand). Cytogenetic location: 14q32.2.
Variant type: single nucleotide variant.
Coding change: c.304C>T on transcript NM_152327.5 (MANE Select); coding-DNA position 304, C replaced by T.
Protein change: p.Arg102Ter; replaces arginine 102 with a stop codon.
Molecular consequence: nonsense.
Genome position (GRCh38, 1-based): chr14:96,404,766, C>T. VCF-style: chr14-96404766-C-T. GRCh37 (hg19) VCF-style: chr14-96871103-C-T.
Other names: c.304C>T, p.Arg102Ter (NM_001350888.2, NM_001350890.2, NM_001350891.2 and 1 more transcripts); short protein forms R102*.
Identifiers: ClinVar variation 1936307 (VCV001936307.5), dbSNP rs368995788, ClinGen allele CA7337437.

ClinVar aggregate classification (germline): Uncertain significance (1 of 4 stars; one submission).

Allele frequency attached by ClinVar (database versions not stated): ExAC 0.00001; gnomAD 0.00002; TOPMed 0.00003; ESP Exome Variant Server 0.00008.

Submission:

Labcorp Genetics (formerly Invitae), Labcorp
Classification: Uncertain significance. Last evaluated: 2022-10-17. Review status: criteria provided, single submitter. Criteria: Invitae Variant Classification Sherloc (09022015). Collection method: clinical testing. Allele origin: germline.
Comment: This variant has not been reported in the literature in individuals affected with AK7-related conditions. This variant is present in population databases (rs368995788, gnomAD 0.01%). This sequence change creates a premature translational stop signal (p.Arg102*) in the AK7 gene. It is expected to result in an absent or disrupted protein product. However, the current clinical and genetic evidence is not sufficient to establish whether loss-of-function variants in AK7 cause disease. In summary, the available evidence is currently insufficient to determine the role of this variant in disease. Therefore, it has been classified as a Variant of Uncertain Significance.